The following is an entry in ClinVar:

ClinVar aggregate classification (germline): Benign/Likely benign. Review status: criteria provided, multiple submitters, no conflicts (2 of 4 stars). 3 submissions from 3 submitters: Benign (1); Likely benign (2). Last evaluated 2026-05-22.

Conditions:
Hereditary cancer-predisposing syndrome. Also called: Hereditary neoplastic syndrome; Neoplastic Syndromes, Hereditary; Hereditary Cancer Syndrome; Tumor predisposition. Identifiers: Orphanet 140162, MedGen C0027672, MeSH D009386, MONDO:0015356.
Neurofibromatosis, type 1 (NF1). Also called: Peripheral type neurofibromatosis; Neurofibromatosis, type I; VON RECKLINGHAUSEN DISEASE; NEUROFIBROMATOSIS, TYPE I, SOMATIC. Identifiers: Orphanet 636, MedGen C0027831, MONDO:0018975, OMIM 162200. Disease mechanism: loss of function.

Allele frequency attached by ClinVar (database versions not stated): TOPMed below 0.00001; gnomAD exomes below 0.00001; gnomAD 0.00001.
gnomAD v4.1: 3 of 1,613,942 alleles (0.00019%); highest among the groups gnomAD compares: Non-Finnish European, 0.00025%; no homozygotes.

Submissions (3):

Myriad Genetics, Inc.
Classification: Benign for Neurofibromatosis, type 1. Last evaluated: 2026-05-22. Review status: criteria provided, single submitter. Criteria: Myriad Autosomal Dominant, Autosomal Recessive and X-Linked Classification Criteria (2023). Collection method: clinical testing. Allele origin: unknown.
Comment: This variant is considered benign. This variant is a silent/synonymous amino acid change and it is not expected to impact splicing.

Labcorp Genetics (formerly Invitae), Labcorp
Classification: Likely benign for Neurofibromatosis, type 1. Last evaluated: 2025-08-09. Review status: criteria provided, single submitter. Criteria: Invitae Variant Classification Sherloc (09022015). Collection method: clinical testing. Allele origin: germline.

Ambry Genetics
Classification: Likely benign for Hereditary cancer-predisposing syndrome. Last evaluated: 2016-01-09. Review status: criteria provided, single submitter. Criteria: Ambry Autosomal Dominant and X-Linked criteria (10/2015). Collection method: clinical testing. Allele origin: germline. Observed: 1 variant allele.
Comment: Synonymous alterations with insufficient evidence to classify as benign

NM_001042492.3(NF1):c.8097A>G (p.Gln2699=)

Gene: NF1 (neurofibromin 1; plus strand). Cytogenetic location: 17q11.2.
Variant type: single nucleotide variant.
Coding change: c.8097A>G on transcript NM_001042492.3 (MANE Select); coding-DNA position 8097, A replaced by G.
Protein change: p.Gln2699=; no amino-acid change (glutamine 2699 retained).
Molecular consequence: synonymous variant.
Genome position (GRCh38, 1-based): chr17:31,358,606, A>G. VCF-style: chr17-31358606-A-G. GRCh37 (hg19) VCF-style: chr17-29685624-A-G.
Other names: c.8034A>G, p.Gln2678= (NM_000267.4).
Identifiers: ClinVar variation 480082 (VCV000480082.12), dbSNP rs1286475305, ClinGen allele CA499345561.
Genomic context (GRCh38, chr17:31,358,606, plus strand): 5'-TCCAATCCATGGAATTGTGCAGAGTGTGGTGTACCATGAAGAATCCCCACCACAATACCA[A>G]ACATCTTACCTGCAAAGTAAATAAATGTATCTGGAGAAGGATGGTTGATGAACTTGCTAA-3'
Protein context (NP_001035957.1, residues 2689-2709): VYHEESPPQY[Gln2699=]TSYLQSFGFN